The following is an entry in ClinVar:

NM_016653.3(MAP3K20):c.-9C>T

Gene: MAP3K20 (mitogen-activated protein kinase kinase kinase 20; plus strand). Cytogenetic location: 2q31.1.
Variant type: single nucleotide variant.
Coding change: c.-9C>T on transcript NM_016653.3 (MANE Select); 9 bases upstream of the start codon, C replaced by T.
Molecular consequence: 5 prime UTR variant.
Genome position (GRCh38, 1-based): chr2:173,091,023, C>T. VCF-style: chr2-173091023-C-T. GRCh37 (hg19) VCF-style: chr2-173955751-C-T.
Other names: c.-9C>T (NM_133646.3).
Identifiers: ClinVar variation 3046499 (VCV003046499.2), dbSNP rs759454500, ClinGen allele CA1970287.

ClinVar aggregate classification (germline): Likely benign (0 of 4 stars; one submission).

Conditions:
MAP3K20-related disorder. Also called: MAP3K20-related condition.

Allele frequency attached by ClinVar (database versions not stated): ExAC 0.00002; gnomAD 0.00061; TOPMed 0.00076.
gnomAD v4.1: 142 of 1,604,824 alleles (0.0088%); highest among the groups gnomAD compares: Admixed American, 0.24%; no homozygotes.

Submission:

PreventionGenetics, part of Exact Sciences
Classification: Likely benign for MAP3K20-related condition. Last evaluated: 2019-04-10. Review status: no assertion criteria provided. Collection method: clinical testing. Allele origin: germline.
Comment: This variant is classified as likely benign based on ACMG/AMP sequence variant interpretation guidelines (Richards et al. 2015 PMID: 25741868, with internal and published modifications).